The following is an entry in ClinVar:

NM_000441.2(SLC26A4):c.1614+1G>A

Gene: SLC26A4 (solute carrier family 26 member 4; plus strand). Cytogenetic location: 7q22.3.
Variant type: single nucleotide variant.
Coding change: c.1614+1G>A on transcript NM_000441.2 (MANE Select); the canonical splice donor site of the intron after coding-DNA position 1614, G replaced by A.
Molecular consequence: splice donor variant.
Genome position (GRCh38, 1-based): chr7:107,698,112, G>A. VCF-style: chr7-107698112-G-A. GRCh37 (hg19) VCF-style: chr7-107338557-G-A.
Identifiers: ClinVar variation 43516 (VCV000043516.30), dbSNP rs111033312, ClinGen allele CA261416.

ClinVar aggregate classification (germline): Pathogenic. Review status: criteria provided, multiple submitters, no conflicts (2 of 4 stars). 13 submissions from 12 submitters: Pathogenic (12). 1 of the submissions does not count toward it. Last evaluated 2026-07-08.

Conditions:
Rare genetic deafness. Identifiers: Orphanet 96210, MedGen C5680250.
Pendred syndrome (PDS). Also called: Pendred's syndrome; THYROID DYSHORMONOGENESIS 2B; THYROID HORMONOGENESIS, GENETIC DEFECT IN, 2B; Pendred Syndrome (PDS); DEAFNESS WITH GOITER; GOITER-DEAFNESS SYNDROME. Identifiers: Orphanet 705, MedGen C0271829, MONDO:0010134, OMIM 274600.
Autosomal recessive nonsyndromic hearing loss 4 (DFNB4). Also called: Deafness, autosomal recessive 4, with enlarged vestibular aqueduct; Enlarged vestibular aqueduct, digenic; Nonsyndromic enlarged vestibular aqueduct (NSEVA); FOXI1-Related Pendred Syndrome; KCNJ10-Related Pendred Syndrome; DEAFNESS, AUTOSOMAL RECESSIVE 4, WITH ENLARGED VESTIBULAR AQUEDUCT, DIGENIC. Identifiers: Orphanet 90636, MedGen C3538946, MONDO:0010933, OMIM 600791.

Allele frequency attached by ClinVar (database versions not stated): gnomAD 0.00001; TOPMed 0.00001; ExAC 0.00002; ESP Exome Variant Server 0.00008.
gnomAD v4.1: 44 of 1,591,200 alleles (0.0028%); highest among the groups gnomAD compares: Non-Finnish European, 0.0035%; no homozygotes.

Submissions (13):

Victorian Clinical Genetics Services, Murdoch Childrens Research Institute
Classification: Pathogenic for Pendred syndrome. Last evaluated: 2026-07-08. Review status: criteria provided, single submitter. Criteria: ACMG Guidelines, 2015. Collection method: clinical testing. Allele origin: germline. Affected: yes.
Comment: This variant is classified as Pathogenic. Evidence in support of pathogenic classification: Canonical splice site variant; This variant is present in gnomAD <0.01 for a recessive condition (v4: 44 heterozygote(s), 0 homozygote(s)); This variant has strong previous evidence of pathogenicity in unrelated individuals. This variant has been classified many times as pathogenic by clinical laboratories in ClinVar; Other variants comparable to the one identified in this case have strong previous evidence for pathogenicity. Comparable changes (c.1614+1G>C, c.1614+1G>T, c.1614+1del) have been reported as pathogenic and/or likely pathogenic by clinical laboratories in ClinVar; Abnormal splicing is predicted by in silico tool and affected nucleotide is highly conserved. Additional information: This variant is heterozygous; This gene is associated with autosomal recessive disease; Alternative nucleotide change(s) at the same canonical splice site are present in gnomAD (highest allele count: v4: 2 heterozygote(s), 0 homozygote(s)); Loss of function is a known mechanism of disease in this gene and is associated with deafness with enlarged vestibular aqueduct (MIM#600791), and Pendred syndrome (MIM#274600); Variants in this gene are known to have variable expressivity (PMID: 20301640); Heterozygous variant detected in trans with a second pathogenic heterozygous variant (NM_000441.2(SLC26A4):c.1334T>G; p.(Leu445Trp)) in a recessive disease.

Natera, Inc.
Classification: Pathogenic for Pendred syndrome. Last evaluated: 2025-05-20. Review status: criteria provided, single submitter. Criteria: Natera Variant Classification Schema (03/2026). Collection method: clinical testing. Allele origin: germline.
Comment: The c.1614+1G>A variant in SLC26A4 is a canonical splice donor site variant predicted to affect pre-mRNA splicing, which may result in an abnormal transcript and altered protein product. This variant is expected to result in nonsense mediated decay, truncation, or a dysfunctional protein product. This variant is rare in the general population with a frequency below the threshold expected for the associated phenotype(s). This variant has been observed in one or more individuals affected with the associated recessive disease, as either homozygous or compound heterozygous with a second variant (PMID: 32717573). Given the available evidence, this variant is classified as Pathogenic.

Fulgent Genetics
Classification: Pathogenic for Pendred syndrome; Autosomal recessive nonsyndromic hearing loss 4. Last evaluated: 2024-06-04. Review status: criteria provided, single submitter. Criteria: ACMG Guidelines, 2015. Collection method: clinical testing. Allele origin: germline.

Labcorp Genetics (formerly Invitae), Labcorp
Classification: Pathogenic. Last evaluated: 2024-04-17. Review status: criteria provided, single submitter. Criteria: Invitae Variant Classification Sherloc (09022015). Collection method: clinical testing. Allele origin: germline.
Comment: This sequence change affects a donor splice site in intron 14 of the SLC26A4 gene. It is expected to disrupt RNA splicing. Variants that disrupt the donor or acceptor splice site typically lead to a loss of protein function (PMID: 16199547), and loss-of-function variants in SLC26A4 are known to be pathogenic (PMID: 16283880, 25394566, 26252218, 26445815). This variant is present in population databases (rs111033312, gnomAD 0.004%). Disruption of this splice site has been observed in individuals with nonsyndromic enlarged vestibular aqueduct and hearing loss (PMID: 11919333, 15355436, 20128824, 20597900, 24105851). ClinVar contains an entry for this variant (Variation ID: 43516). Algorithms developed to predict the effect of sequence changes on RNA splicing suggest that this variant may disrupt the consensus splice site. For these reasons, this variant has been classified as Pathogenic.

Baylor Genetics
Classification: Pathogenic for Autosomal recessive nonsyndromic hearing loss 4. Last evaluated: 2024-02-26. Review status: criteria provided, single submitter. Criteria: ACMG Guidelines, 2015. Collection method: clinical testing. Allele origin: unknown.

GeneDx
Classification: Pathogenic. Last evaluated: 2021-12-23. Review status: criteria provided, single submitter. Criteria: GeneDx Variant Classification Process June 2021. Collection method: clinical testing. Allele origin: germline. Affected: yes.
Comment: Canonical splice site variant in a gene for which loss-of-function is a known mechanism of disease; Not observed at significant frequency in large population cohorts (gnomAD); This variant is associated with the following publications: (PMID: 25525159, 21704276, 30368370, 30651814, 30268946, 31589614, 18285825, 32645618, 15355436, 11919333, 31541171, 24105851, 33597575, 20128824, 20597900)

Myriad Genetics, Inc.
Classification: Pathogenic for Pendred syndrome. Last evaluated: 2021-11-03. Review status: criteria provided, single submitter. Criteria: Myriad Women's Health Autosomal Recessive and X-Linked Classification Criteria (2021). Collection method: clinical testing. Allele origin: unknown.
Comment: NM_000441.1(SLC26A4):c.1614+1G>A is a canonical splice variant classified as pathogenic in the context of Pendred syndrome. c.1614+1G>A has been observed in cases with relevant disease (PMID: 15355436). Functional assessments of this variant are not available in the literature. c.1614+1G>A has been observed in population frequency databases (gnomAD: NFE 0.004%). In summary, NM_000441.1(SLC26A4):c.1614+1G>A is a canonical splice variant in a gene where loss of function is a known mechanism of disease, is predicted to disrupt protein function, and has been observed more frequently in cases with the relevant disease than in healthy populations. Please note: this variant was assessed in the context of healthy population screening.

Genome-Nilou Lab
Classification: Pathogenic for Autosomal recessive nonsyndromic hearing loss 4. Last evaluated: 2021-09-05. Review status: criteria provided, single submitter. Criteria: ACMG Guidelines, 2015. Collection method: clinical testing. Allele origin: germline. Affected: no.

Genome-Nilou Lab
Classification: Pathogenic for Pendred syndrome. Last evaluated: 2021-09-05. Review status: criteria provided, single submitter. Criteria: ACMG Guidelines, 2015. Collection method: clinical testing. Allele origin: germline. Affected: no.

Division of Hearing and Balance Research, National Hospital Organization Tokyo Medical Center
Classification: Pathogenic for Autosomal recessive nonsyndromic hearing loss 4. Last evaluated: 2017-07-01. Review status: criteria provided, single submitter. Criteria: Submitter's publication. Collection method: clinical testing. Allele origin: germline. Affected: yes. Observed: 1 variant allele.

Laboratory for Molecular Medicine, Mass General Brigham Personalized Medicine
Classification: Pathogenic for Rare genetic deafness. Last evaluated: 2015-07-09. Review status: criteria provided, single submitter. Criteria: LMM Criteria. Collection method: clinical testing. Allele origin: germline. Observed: 6 variant alleles.
Comment: The c.1614+1G>A variant in SLC26A4 has been reported in 13 individuals with hear ing loss or Pendred syndrome, and 8 of them were compound heterozygous (Fugazzol a 2002, Blons 2004, Pera 2008, Pourova 2010, LMM unpublished data). This variant has also been identified in 3/66512 European chromosomes by the Exome Aggregati on Consortium (ExAC; dbSNP rs111033312). Althoug h this variant has been seen in the general population, its frequency is low eno ugh to be consistent with a recessive carrier frequency. This variant occurs in the invariant region (+/- 1,2) of the splice consensus sequence and is predicted to cause altered splicing leading to an abnormal or absent protein. In summary, this variant meets our criteria to be classified as pathogenic.

Juno Genomics, Hangzhou Juno Genomics, Inc
Classification: Pathogenic for Autosomal recessive nonsyndromic hearing loss 4; Pendred syndrome. Review status: criteria provided, single submitter. Criteria: ACMG Guidelines, 2015. Collection method: clinical testing. Allele origin: germline. Affected: yes.
Comment: Absent from controls (or at extremely low frequency if recessive) in Genome Aggregation Database.;Null variant in a gene where loss of function (LOF) is a known mechanism of disease.;For recessive disorders, detected in trans with a pathogenic variant.

Genetic Testing Center for Deafness, Department of Otolaryngology Head & Neck Surgery, Institute of Otolaryngology, Chinese PLA General Hospital
Classification: Pathogenic for Autosomal recessive nonsyndromic hearing loss 4. Last evaluated: 2019-02-26. Review status: no assertion criteria provided. Collection method: case-control. Allele origin: inherited. Affected: yes. Observed: 1 variant allele. Not counted in ClinVar's aggregate classification.

Literature cited by the submitters: PubMed 20301640 (cited by Victorian Clinical Genetics Services, Murdoch Childrens Research Institute); PubMed 32717573 (cited by Natera, Inc.); PubMed 16199547 (cited by Labcorp Genetics (formerly Invitae), Labcorp); PubMed 16283880 (cited by Labcorp Genetics (formerly Invitae), Labcorp); PubMed 25394566 (cited by Labcorp Genetics (formerly Invitae), Labcorp); PubMed 26252218 (cited by Labcorp Genetics (formerly Invitae), Labcorp); PubMed 26445815 (cited by Labcorp Genetics (formerly Invitae), Labcorp); PubMed 11919333 (cited by Labcorp Genetics (formerly Invitae), Labcorp and Laboratory for Molecular Medicine, Mass General Brigham Personalized Medicine); PubMed 15355436 (cited by 3 submitters); PubMed 20128824 (cited by Labcorp Genetics (formerly Invitae), Labcorp); PubMed 20597900 (cited by Labcorp Genetics (formerly Invitae), Labcorp and Laboratory for Molecular Medicine, Mass General Brigham Personalized Medicine); PubMed 24105851 (cited by Labcorp Genetics (formerly Invitae), Labcorp); PubMed 18285825 (cited by Laboratory for Molecular Medicine, Mass General Brigham Personalized Medicine); PubMed 21704276 (cited by Laboratory for Molecular Medicine, Mass General Brigham Personalized Medicine).